The following is an entry in ClinVar:

NM_206933.4(USH2A):c.1608C>G (p.Cys536Trp)

Gene: USH2A (usherin; minus strand). Cytogenetic location: 1q41.
Variant type: single nucleotide variant.
Coding change: c.1608C>G on transcript NM_206933.4 (MANE Select); coding-DNA position 1608, C replaced by G.
Protein change: p.Cys536Trp; replaces cysteine 536 with tryptophan.
Molecular consequence: missense variant.
Genome position (GRCh38, 1-based): chr1:216,321,919, G>C on the plus strand (C>G on the coding strand, the complement: USH2A is on the minus strand). VCF-style: chr1-216321919-G-C. GRCh37 (hg19) VCF-style: chr1-216495261-G-C.
Other names: c.1608C>G, p.Cys536Trp (NM_007123.6); short protein forms C536W.
Identifiers: ClinVar variation 3633768 (VCV003633768.3).

ClinVar aggregate classification (germline): Likely pathogenic. Review status: criteria provided, multiple submitters, no conflicts (2 of 4 stars). 2 submissions from 2 submitters: Likely pathogenic (2). Last evaluated 2024-07-04.

Conditions:
USH2A-related disorder. Also called: USH2A-related condition; USH2A-related disorders. Identifiers: MedGen CN239332.

Submissions (2):

Labcorp Genetics (formerly Invitae), Labcorp
Classification: Likely pathogenic. Last evaluated: 2024-07-04. Review status: criteria provided, single submitter. Criteria: Invitae Variant Classification Sherloc (09022015). Collection method: clinical testing. Allele origin: germline.
Comment: This sequence change replaces cysteine, which is neutral and slightly polar, with tryptophan, which is neutral and slightly polar, at codon 536 of the USH2A protein (p.Cys536Trp). This variant is not present in population databases (gnomAD no frequency). This variant has not been reported in the literature in individuals affected with USH2A-related conditions. Advanced modeling of protein sequence and biophysical properties (such as structural, functional, and spatial information, amino acid conservation, physicochemical variation, residue mobility, and thermodynamic stability) performed at Invitae indicates that this missense variant is expected to disrupt USH2A protein function with a positive predictive value of 95%. This variant disrupts the p.Cys536 amino acid residue in USH2A. Other variant(s) that disrupt this residue have been determined to be pathogenic (PMID: 16963483, 31998945). This suggests that this residue is clinically significant, and that variants that disrupt this residue are likely to be disease-causing. In summary, the currently available evidence indicates that the variant is pathogenic, but additional data are needed to prove that conclusively. Therefore, this variant has been classified as Likely Pathogenic.

Blueprint Genetics
Classification: Likely pathogenic for USH2A-related disorders. Last evaluated: 2019-06-10. Review status: criteria provided, single submitter. Criteria: ACMG Guidelines, 2015. Collection method: clinical testing. Allele origin: germline. Affected: yes. Observed: 1 variant allele.

Literature cited by the submitters: PubMed 16963483 (cited by Labcorp Genetics (formerly Invitae), Labcorp); PubMed 31998945 (cited by Labcorp Genetics (formerly Invitae), Labcorp).